The following is an entry in ClinVar:

NM_005035.4(POLRMT):c.3014G>A (p.Gly1005Asp)

Gene: POLRMT (RNA polymerase mitochondrial; minus strand). Cytogenetic location: 19p13.3.
Variant type: single nucleotide variant.
Coding change: c.3014G>A on transcript NM_005035.4 (MANE Select); coding-DNA position 3014, G replaced by A.
Protein change: p.Gly1005Asp; replaces glycine 1005 with aspartic acid.
Molecular consequence: missense variant. On other transcripts: non-coding transcript variant (1).
Genome position (GRCh38, 1-based): chr19:619,638, C>T on the plus strand (G>A on the coding strand, the complement: POLRMT is on the minus strand). VCF-style: chr19-619638-C-T. GRCh37 (hg19) VCF-style: chr19-619638-C-T.
Other names: c.2972G>A, p.Gly991Asp (NM_001407811.1, NM_001407813.1); c.3014G>A, p.Gly1005Asp (NM_001407812.1, NM_001407816.1, NM_001407805.1 and 1 more transcripts); c.2936G>A, p.Gly979Asp (NM_001407814.1, NM_001407815.1); c.2891G>A, p.Gly964Asp (NM_001407829.1); c.2789G>A, p.Gly930Asp (NM_001407830.1, NM_001407832.1); c.2690G>A, p.Gly897Asp (NM_001407831.1, NM_001407833.1, NM_001407835.1); c.2681G>A, p.Gly894Asp (NM_001407834.1); c.2612G>A, p.Gly871Asp (NM_001407836.1); and 2 more; short protein forms G1002D, G1005D, G894D, G979D, G991D, G871D, G1001D, G897D.
Identifiers: ClinVar variation 5006036 (VCV005006036.2).
Genomic context (GRCh38, chr19:619,638, plus strand): 5'-TGGCGCACCTGGGGAAAGTCGCTCAGCTCCCGGAGGCGCTTCTCAATCTGCAGGCGCCCG[C>T]CATAGCGCGTGACCCCGTACACCACCGTCATCACCGTCTGCTTCACCACCTTGCGGGTGA-3'
Protein context (NP_005026.3, residues 995-1015): MTVVYGVTRY[Gly1005Asp]GRLQIEKRLR

ClinVar aggregate classification (germline): Uncertain significance (1 of 4 stars; one submission).

Conditions:
Combined oxidative phosphorylation deficiency 55 (COXPD55). Identifiers: MedGen C5676915, MONDO:0859228, OMIM 619743.

Submission:

Juno Genomics, Hangzhou Juno Genomics, Inc
Classification: Uncertain significance for Combined oxidative phosphorylation deficiency 55. Review status: criteria provided, single submitter. Criteria: ACMG Guidelines, 2015. Collection method: clinical testing. Allele origin: germline.
Comment: Absent from controls (or at extremely low frequency if recessive) in Genome Aggregation Database.;Multiple lines of computational evidence support a deleterious effect on the gene or gene product.